The following is an entry in ClinVar:

ClinVar aggregate classification (germline): Uncertain significance (1 of 4 stars; one submission).

gnomAD v4.1: 3 of 1,614,028 alleles (0.00019%); highest among the groups gnomAD compares: Non-Finnish European, 0.00025%; no homozygotes.

Submission:

Labcorp Genetics (formerly Invitae), Labcorp
Classification: Uncertain significance. Last evaluated: 2024-10-15. Review status: criteria provided, single submitter. Criteria: Invitae Variant Classification Sherloc (09022015). Collection method: clinical testing. Allele origin: germline.
Comment: This sequence change replaces glutamic acid, which is acidic and polar, with aspartic acid, which is acidic and polar, at codon 29 of the ARHGEF10 protein (p.Glu29Asp). This variant is not present in population databases (gnomAD no frequency). This variant has not been reported in the literature in individuals affected with ARHGEF10-related conditions. An algorithm developed to predict the effect of missense changes on protein structure and function (PolyPhen-2) suggests that this variant is likely to be disruptive. In summary, the available evidence is currently insufficient to determine the role of this variant in disease. Therefore, it has been classified as a Variant of Uncertain Significance.

NM_014629.4(ARHGEF10):c.87A>C (p.Glu29Asp)

Gene: ARHGEF10 (Rho guanine nucleotide exchange factor 10; plus strand). Cytogenetic location: 8p23.3.
Variant type: single nucleotide variant.
Coding change: c.87A>C on transcript NM_014629.4 (MANE Select); coding-DNA position 87, A replaced by C.
Protein change: p.Glu29Asp; replaces glutamic acid 29 with aspartic acid.
Molecular consequence: missense variant.
Genome position (GRCh38, 1-based): chr8:1,858,009, A>C. VCF-style: chr8-1858009-A-C. GRCh37 (hg19) VCF-style: chr8-1806175-A-C.
Other names: c.87A>C, p.Glu29Asp (NM_001308152.2, NM_001308153.3); short protein forms E29D, E53D.
Identifiers: ClinVar variation 3608387 (VCV003608387.2).
Genomic context (GRCh38, chr8:1,858,009, plus strand): 5'-TTTCTTTTTAGAAAATGAAATGAAATATGATACCAATAATAATGAAGAGGAAGAGGGAGA[A>C]CAGTTCGATTTTGACAGTGGAGATGAAATCCCAGAAGCGGACAGACAGGCCCCATCCGCC-3'
Protein context (NP_055444.2, residues 19-39): DTNNNEEEEG[Glu29Asp]QFDFDSGDEI